The following is an entry in ClinVar:

ClinVar aggregate classification (germline): Uncertain significance. Review status: criteria provided, multiple submitters, no conflicts (2 of 4 stars). 3 submissions from 3 submitters: Uncertain significance (3). Last evaluated 2025-05-26.

Conditions:
Inborn genetic diseases. Identifiers: MedGen C0950123, MeSH D030342.

Allele frequency attached by ClinVar (database versions not stated): ESP Exome Variant Server 0.00008; 1000 Genomes Project 0.00040; 1000 Genomes Project 30x 0.00047.
gnomAD v4.1: 108 of 1,613,270 alleles (0.0067%); highest among the groups gnomAD compares: East Asian, 0.062%; no homozygotes.

Submissions (3):

Women's Health and Genetics/Laboratory Corporation of America, LabCorp
Classification: Uncertain significance. Last evaluated: 2025-05-26. Review status: criteria provided, single submitter. Criteria: LabCorp Variant Classification Summary - May 2015. Collection method: clinical testing. Allele origin: germline.
Comment: Variant summary: OBSL1 c.1885G>A (p.Asp629Asn) results in a conservative amino acid change in the encoded protein sequence. Algorithms developed to predict the effect of missense changes on protein structure and function all suggest that this variant is likely to be tolerated. The variant allele was found at a frequency of 0.00014 in 247414 control chromosomes. This frequency is not significantly higher than estimated for a pathogenic variant in OBSL1 causing Three M Syndrome 2 (0.00014 vs 0.0011), allowing no conclusion about variant significance. To our knowledge, no occurrence of c.1885G>A in individuals affected with Three M Syndrome 2 and no experimental evidence demonstrating its impact on protein function have been reported. ClinVar contains an entry for this variant (Variation ID: 1368784). Based on the evidence outlined above, the variant was classified as uncertain significance.

Ambry Genetics
Classification: Uncertain significance for Inborn genetic diseases. Last evaluated: 2024-10-19. Review status: criteria provided, single submitter. Criteria: Ambry Variant Classification Scheme 2023. Collection method: clinical testing. Allele origin: germline.

Labcorp Genetics (formerly Invitae), Labcorp
Classification: Uncertain significance. Last evaluated: 2023-08-30. Review status: criteria provided, single submitter. Criteria: Invitae Variant Classification Sherloc (09022015). Collection method: clinical testing. Allele origin: germline.
Comment: This sequence change replaces aspartic acid, which is acidic and polar, with asparagine, which is neutral and polar, at codon 629 of the OBSL1 protein (p.Asp629Asn). This variant is present in population databases (rs201333768, gnomAD 0.2%). This variant has not been reported in the literature in individuals affected with OBSL1-related conditions. ClinVar contains an entry for this variant (Variation ID: 1368784). Algorithms developed to predict the effect of missense changes on protein structure and function output the following: SIFT: "Not Available"; PolyPhen-2: "Benign"; Align-GVGD: "Not Available". The asparagine amino acid residue is found in multiple mammalian species, which suggests that this missense change does not adversely affect protein function. In summary, the available evidence is currently insufficient to determine the role of this variant in disease. Therefore, it has been classified as a Variant of Uncertain Significance.

NM_015311.3(OBSL1):c.1885G>A (p.Asp629Asn)

Gene: OBSL1 (obscurin like cytoskeletal adaptor 1; minus strand). Cytogenetic location: 2q35.
Variant type: single nucleotide variant.
Coding change: c.1885G>A on transcript NM_015311.3 (MANE Select); coding-DNA position 1885, G replaced by A.
Protein change: p.Asp629Asn; replaces aspartic acid 629 with asparagine.
Molecular consequence: missense variant.
Genome position (GRCh38, 1-based): chr2:219,567,079, C>T on the plus strand (G>A on the coding strand, the complement: OBSL1 is on the minus strand). VCF-style: chr2-219567079-C-T. GRCh37 (hg19) VCF-style: chr2-220431801-C-T.
Other names: c.1885G>A, p.Asp629Asn (NM_001173408.2, NM_001173431.2); c.1885G>A (NM_015311.2); short protein forms D629N.
Identifiers: ClinVar variation 1368784 (VCV001368784.7), dbSNP rs201333768, ClinGen allele CA2131381.
Genomic context (GRCh38, chr2:219,567,079, plus strand): 5'-GGAACCAGGTACCCTGGATGATGGTGGAGAGATCGAGGGAGAAGACGGCATCTTCCCCGT[C>T]GTATACCTGCACATCCTCCAGACCTGCCACCAGGCGAGCTGTGGGCACTGAGGCAGGGAC-3'
Protein context (NP_056126.1, residues 619-639): VAGLEDVQVY[Asp629Asn]GEDAVFSLDL